The following is an entry in ClinVar:

ClinVar aggregate classification (germline): Likely benign. Review status: criteria provided, multiple submitters, no conflicts (2 of 4 stars). 2 submissions from 2 submitters: Likely benign (2). Last evaluated 2025-03-24.

Conditions:
NARS1-related disorder. Also called: NARS1-related condition.

Allele frequency attached by ClinVar (database versions not stated): TOPMed 0.00009; ExAC 0.00010; gnomAD exomes 0.00010 and 0.00012; gnomAD 0.00012 and 0.00013.
gnomAD v4.1: 189 of 1,611,900 alleles (0.012%); highest among the groups gnomAD compares: Non-Finnish European, 0.015%; no homozygotes.

Submissions (2):

PreventionGenetics, part of Exact Sciences
Classification: Likely benign for NARS1-related condition. Last evaluated: 2025-03-24. Review status: criteria provided, single submitter. Criteria: ACMG Guidelines, 2015. Collection method: clinical testing. Allele origin: germline.
Comment: This variant is classified as likely benign based on ACMG/AMP sequence variant interpretation guidelines (Richards et al. 2015 PMID: 25741868, with internal and published modifications).

CeGaT Center for Human Genetics Tuebingen
Classification: Likely benign. Last evaluated: 2022-07-01. Review status: criteria provided, single submitter. Criteria: CeGaT Center For Human Genetics Tuebingen Variant Classification Criteria Version 2. Collection method: clinical testing. Allele origin: germline. Affected: yes. Observed: 1 variant allele.
Comment: NARS1: BP4

NM_004539.4(NARS1):c.129C>T (p.Thr43=)

Gene: NARS1 (asparaginyl-tRNA synthetase 1; minus strand). Cytogenetic location: 18q21.31.
Variant type: single nucleotide variant.
Coding change: c.129C>T on transcript NM_004539.4 (MANE Select); coding-DNA position 129, C replaced by T.
Protein change: p.Thr43=; no amino-acid change (threonine 43 retained).
Molecular consequence: synonymous variant.
Genome position (GRCh38, 1-based): chr18:57,615,940, G>A on the plus strand (C>T on the coding strand, the complement: NARS1 is on the minus strand). VCF-style: chr18-57615940-G-A. GRCh37 (hg19) VCF-style: chr18-55283172-G-A.
Other names: c.129C>T (NM_004539.3).
Identifiers: ClinVar variation 1701342 (VCV001701342.32), dbSNP rs758952709, ClinGen allele CA8973805.